The following is an entry in ClinVar:

NM_000093.5(COL5A1):c.3128C>T (p.Pro1043Leu)

Gene: COL5A1 (collagen type V alpha 1 chain; plus strand). Cytogenetic location: 9q34.3.
Variant type: single nucleotide variant.
Coding change: c.3128C>T on transcript NM_000093.5 (MANE Select); coding-DNA position 3128, C replaced by T.
Protein change: p.Pro1043Leu; replaces proline 1043 with leucine.
Molecular consequence: missense variant.
Genome position (GRCh38, 1-based): chr9:134,804,988, C>T. VCF-style: chr9-134804988-C-T. GRCh37 (hg19) VCF-style: chr9-137696834-C-T.
Other names: c.3128C>T, p.Pro1043Leu (NM_001278074.1); short protein forms P1043L.
Identifiers: ClinVar variation 4691384 (VCV004691384.1).
Genomic context (GRCh38, chr9:134,804,988, plus strand): 5'-TCTGCGTCACTGGCTCCAGGAAAGCTCATCTCTGACTCTGTTTTCAGGGTGACCCAGGCC[C>T]TGCAGGCCTCCCTGGGAAAGATGGCCCTCCAGGATTACGTGGTTTCCCTGGGGACCGAGG-3'
Protein context (NP_000084.3, residues 1033-1053): GKEGTKGDPG[Pro1043Leu]AGLPGKDGPP

ClinVar aggregate classification (germline): Uncertain significance (1 of 4 stars; one submission).

Conditions:
Ehlers-Danlos syndrome, classic type, 1 (EDSCL1). Also called: EHLERS-DANLOS SYNDROME, GRAVIS TYPE; EHLERS-DANLOS SYNDROME, SEVERE CLASSIC TYPE; Ehlers-Danlos syndrome, type 1; Ehlers-Danlos Syndrome, Classic Type, COL5A1-Related; EDS I. Identifiers: MedGen C0268335, MONDO:0019567, OMIM 130000.

gnomAD v4.1: 1 of 1,613,736 alleles (0.000062%); highest among the groups gnomAD compares: Admixed American, 0.0017%; no homozygotes.

Submission:

Labcorp Genetics (formerly Invitae), Labcorp
Classification: Uncertain significance for Ehlers-Danlos syndrome, classic type, 1. Last evaluated: 2025-05-27. Review status: criteria provided, single submitter. Criteria: Invitae Variant Classification Sherloc (09022015). Collection method: clinical testing. Allele origin: germline.
Comment: This sequence change replaces proline, which is neutral and non-polar, with leucine, which is neutral and non-polar, at codon 1043 of the COL5A1 protein (p.Pro1043Leu). This variant is not present in population databases (gnomAD no frequency). This variant has not been reported in the literature in individuals affected with COL5A1-related conditions. Invitae Evidence Modeling of protein sequence and biophysical properties (such as structural, functional, and spatial information, amino acid conservation, physicochemical variation, residue mobility, and thermodynamic stability) indicates that this missense variant is not expected to disrupt COL5A1 protein function with a negative predictive value of 95%. In summary, the available evidence is currently insufficient to determine the role of this variant in disease. Therefore, it has been classified as a Variant of Uncertain Significance.